The following is an entry in ClinVar:

NM_000153.4(GALC):c.1762_1763del (p.Leu588fs)

Gene: GALC (galactosylceramidase; minus strand). Cytogenetic location: 14q31.3.
Variant type: Deletion.
Coding change: c.1762_1763del on transcript NM_000153.4 (MANE Select); coding-DNA positions 1762 to 1763, 2 bases deleted (TT; older notation c.1762_1763delTT).
Protein change: p.Leu588fs; shifts the reading frame from leucine 588.
Molecular consequence: frameshift variant.
Genome position (GRCh38, 1-based): chr14:87,941,466-87,941,467, AA deleted on the plus strand (TT on the coding strand, the reverse complement: GALC is on the minus strand); deleting any 2 consecutive bases within chr14:87,941,466-87,941,469 gives the same sequence; the c. name uses the placement nearest the transcript's 3' end. VCF-style (leftmost placement, unchanged base first): chr14-87941465-CAA-C. GRCh37 (hg19) VCF-style: chr14-88407809-CAA-C.
Other names: c.1693_1694del, p.Leu565fs (NM_001201401.2); c.1684_1685del, p.Leu562fs (NM_001201402.2); short protein forms L562fs, L565fs, L588fs.
Identifiers: ClinVar variation 1071955 (VCV001071955.7), dbSNP rs751283440, ClinGen allele CA2499222754.

ClinVar aggregate classification (germline): Pathogenic (1 of 4 stars; one submission).

Conditions:
Galactosylceramide beta-galactosidase deficiency. Also called: Krabbe Disease; Leukodystrophy, Globoid Cell; GALACTOCEREBROSIDASE DEFICIENCY; GALC DEFICIENCY; GLOBOID CELL LEUKOENCEPHALOPATHY. Identifiers: Orphanet 487, MedGen C0023521, MONDO:0009499, OMIM 245200.

Submission:

Labcorp Genetics (formerly Invitae), Labcorp
Classification: Pathogenic for Galactosylceramide beta-galactosidase deficiency. Last evaluated: 2020-10-13. Review status: criteria provided, single submitter. Criteria: Invitae Variant Classification Sherloc (09022015). Collection method: clinical testing. Allele origin: germline.
Comment: For these reasons, this variant has been classified as Pathogenic. Loss-of-function variants in GALC are known to be pathogenic (PMID: 7437911, 9272171, 16607461). This variant has not been reported in the literature in individuals with GALC-related conditions. This variant is not present in population databases (ExAC no frequency). This sequence change creates a premature translational stop signal (p.Leu588Aspfs*2) in the GALC gene. It is expected to result in an absent or disrupted protein product.

Literature cited by the submitters: PubMed 7437911; PubMed 9272171; PubMed 16607461.